The following is an entry in ClinVar:

ClinVar aggregate classification (germline): Uncertain significance (1 of 4 stars; one submission).

Conditions:
Anemia, nonspherocytic hemolytic, due to G6PD deficiency (CNSHA1). Also called: Hemolytic anemia due to G6PD deficiency; Favism, susceptibility to; Class I glucose-6-phosphate dehydrogenase deficiency; ANEMIA, CONGENITAL, NONSPHEROCYTIC HEMOLYTIC, 1. Identifiers: Orphanet 466026, MedGen C2720289, MONDO:0010480, OMIM 300908.

Submission:

Dunham Lab, University of Washington
Classification: Uncertain significance for Anemia, nonspherocytic hemolytic, due to G6PD deficiency. Last evaluated: 2022-08-12. Review status: criteria provided, single submitter. Criteria: Bayesian ACMG Guidelines, 2018. Collection method: curation. Allele origin: unknown. Affected: yes.
Comment: Variant found in hemizygotes with deficiency (PP4). Decreased activity in red blood cells (6%) (PS3). Post_P 0.812 (odds of pathogenicity 38.9, Prior_P 0.1).

Literature cited by the submitters: PubMed 23006493.

NM_001360016.2(G6PD):c.[376A>G;563C>T]

Variant type: Haplotype.
Identifiers: ClinVar variation 1722698 (VCV001722698.2).